The following is an entry in ClinVar:

ClinVar aggregate classification (germline): Uncertain significance (1 of 4 stars; one submission).

Submission:

Labcorp Genetics (formerly Invitae), Labcorp
Classification: Uncertain significance. Last evaluated: 2022-06-19. Review status: criteria provided, single submitter. Criteria: Invitae Variant Classification Sherloc (09022015). Collection method: clinical testing. Allele origin: germline.
Comment: Algorithms developed to predict the effect of missense changes on protein structure and function are either unavailable or do not agree on the potential impact of this missense change (SIFT: "Deleterious"; PolyPhen-2: "Probably Damaging"; Align-GVGD: "Class C0"). In summary, the available evidence is currently insufficient to determine the role of this variant in disease. Therefore, it has been classified as a Variant of Uncertain Significance. This sequence change replaces cysteine, which is neutral and slightly polar, with tyrosine, which is neutral and polar, at codon 502 of the PNPLA8 protein (p.Cys502Tyr). This variant is not present in population databases (gnomAD no frequency). This variant has not been reported in the literature in individuals affected with PNPLA8-related conditions.

NM_001256007.3(PNPLA8):c.1505G>A (p.Cys502Tyr)

Gene: PNPLA8 (patatin like domain 8, phospholipase A2; minus strand). Cytogenetic location: 7q31.1.
Variant type: single nucleotide variant.
Coding change: c.1505G>A on transcript NM_001256007.3 (MANE Select); coding-DNA position 1505, G replaced by A.
Protein change: p.Cys502Tyr; replaces cysteine 502 with tyrosine.
Molecular consequence: missense variant.
Genome position (GRCh38, 1-based): chr7:108,496,704, C>T on the plus strand (G>A on the coding strand, the complement: PNPLA8 is on the minus strand). VCF-style: chr7-108496704-C-T. GRCh37 (hg19) VCF-style: chr7-108137148-C-T.
Other names: c.1505G>A, p.Cys502Tyr (NM_001256008.3, NM_001256009.3, NM_015723.5); c.1205G>A, p.Cys402Tyr (NM_001256010.3, NM_001256011.3); short protein forms C402Y, C502Y.
Identifiers: ClinVar variation 2008350 (VCV002008350.4), dbSNP rs2552114018, ClinGen allele CA368896192.